The following is an entry in ClinVar:

NM_002439.5(MSH3):c.656A>C (p.Lys219Thr)

Gene: MSH3 (mutS homolog 3; plus strand). Cytogenetic location: 5q14.1.
Variant type: single nucleotide variant.
Coding change: c.656A>C on transcript NM_002439.5 (MANE Select); coding-DNA position 656, A replaced by C.
Protein change: p.Lys219Thr; replaces lysine 219 with threonine.
Molecular consequence: missense variant.
Genome position (GRCh38, 1-based): chr5:80,670,173, A>C. VCF-style: chr5-80670173-A-C. GRCh37 (hg19) VCF-style: chr5-79965992-A-C.
Other names: short protein forms K219T.
Identifiers: ClinVar variation 1005259 (VCV001005259.12), dbSNP rs1749672498, ClinGen allele CA360266651.

ClinVar aggregate classification (germline): Uncertain significance. Review status: criteria provided, multiple submitters, no conflicts (2 of 4 stars). 2 submissions from 2 submitters: Uncertain significance (2). Last evaluated 2024-04-20.

Conditions:
Hereditary cancer-predisposing syndrome. Also called: Hereditary neoplastic syndrome; Neoplastic Syndromes, Hereditary; Tumor predisposition; Hereditary Cancer Syndrome. Identifiers: Orphanet 140162, MedGen C0027672, MeSH D009386, MONDO:0015356.

Submissions (2):

Ambry Genetics
Classification: Uncertain significance for Hereditary cancer-predisposing syndrome. Last evaluated: 2024-04-20. Review status: criteria provided, single submitter. Criteria: Ambry Variant Classification Scheme 2023. Collection method: clinical testing. Allele origin: germline.
Comment: The p.K219T variant (also known as c.656A>C), located in coding exon 4 of the MSH3 gene, results from an A to C substitution at nucleotide position 656. The lysine at codon 219 is replaced by threonine, an amino acid with similar properties. This amino acid position is conserved. In addition, this alteration is predicted to be tolerated by in silico analysis. Since supporting evidence is limited at this time, the clinical significance of this alteration remains unclear.

Labcorp Genetics (formerly Invitae), Labcorp
Classification: Uncertain significance. Last evaluated: 2020-05-03. Review status: criteria provided, single submitter. Criteria: Invitae Variant Classification Sherloc (09022015). Collection method: clinical testing. Allele origin: germline.
Comment: This sequence change replaces lysine with threonine at codon 219 of the MSH3 protein (p.Lys219Thr). The lysine residue is moderately conserved and there is a moderate physicochemical difference between lysine and threonine. This variant is not present in population databases (ExAC no frequency). This variant has not been reported in the literature in individuals with MSH3-related conditions. Algorithms developed to predict the effect of missense changes on protein structure and function are either unavailable or do not agree on the potential impact of this missense change (SIFT: "Deleterious"; PolyPhen-2: "Benign"; Align-GVGD: "Class C0"). In summary, the available evidence is currently insufficient to determine the role of this variant in disease. Therefore, it has been classified as a Variant of Uncertain Significance.